The following is an entry in ClinVar:

ClinVar aggregate classification (germline): Uncertain significance. Review status: criteria provided, multiple submitters, no conflicts (2 of 4 stars). 2 submissions from 2 submitters: Uncertain significance (2). Last evaluated 2023-10-04.

Allele frequency attached by ClinVar (database versions not stated): ExAC 0.00001; gnomAD 0.00001; TOPMed 0.00001; 1000 Genomes Project 0.00020; 1000 Genomes Project 30x 0.00031.
gnomAD v4.1: 14 of 1,614,104 alleles (0.00087%); highest among the groups gnomAD compares: Middle Eastern, 0.016%; no homozygotes.

Submissions (2):

GeneDx
Classification: Uncertain significance. Last evaluated: 2023-10-04. Review status: criteria provided, single submitter. Criteria: GeneDx Variant Classification Process June 2021. Collection method: clinical testing. Allele origin: germline. Affected: yes.
Comment: In silico analysis supports that this missense variant does not alter protein structure/function; Has not been previously published as pathogenic or benign to our knowledge; This variant is associated with the following publications: (PMID: 32041611)

Labcorp Genetics (formerly Invitae), Labcorp
Classification: Uncertain significance. Last evaluated: 2022-08-13. Review status: criteria provided, single submitter. Criteria: Invitae Variant Classification Sherloc (09022015). Collection method: clinical testing. Allele origin: germline.
Comment: This sequence change replaces alanine, which is neutral and non-polar, with threonine, which is neutral and polar, at codon 1407 of the ABCA1 protein (p.Ala1407Thr). This variant is present in population databases (rs189206655, gnomAD no frequency). This missense change has been observed in individual(s) with dyslipidemia (PMID: 32041611). Advanced modeling of protein sequence and biophysical properties (such as structural, functional, and spatial information, amino acid conservation, physicochemical variation, residue mobility, and thermodynamic stability) performed at Invitae indicates that this missense variant is not expected to disrupt ABCA1 protein function. In summary, the available evidence is currently insufficient to determine the role of this variant in disease. Therefore, it has been classified as a Variant of Uncertain Significance.

Literature cited by the submitters: PubMed 32041611 (cited by Labcorp Genetics (formerly Invitae), Labcorp).

NM_005502.4(ABCA1):c.4219G>A (p.Ala1407Thr)

Gene: ABCA1 (ATP binding cassette subfamily A member 1; minus strand). Cytogenetic location: 9q31.1.
Variant type: single nucleotide variant.
Coding change: c.4219G>A on transcript NM_005502.4 (MANE Select); coding-DNA position 4219, G replaced by A.
Protein change: p.Ala1407Thr; replaces alanine 1407 with threonine.
Molecular consequence: missense variant.
Genome position (GRCh38, 1-based): chr9:104,809,521, C>T on the plus strand (G>A on the coding strand, the complement: ABCA1 is on the minus strand). VCF-style: chr9-104809521-C-T. GRCh37 (hg19) VCF-style: chr9-107571802-C-T.
Other names: c.4219G>A (NM_005502.3); short protein forms A1407T.
Identifiers: ClinVar variation 1910048 (VCV001910048.3), dbSNP rs189206655, ClinGen allele CA5168199.